The following is an entry in ClinVar:

NM_030632.3(ASXL3):c.4266A>G (p.Thr1422=)

Gene: ASXL3 (ASXL transcriptional regulator 3; plus strand). Cytogenetic location: 18q12.1.
Variant type: single nucleotide variant.
Coding change: c.4266A>G on transcript NM_030632.3 (MANE Select); coding-DNA position 4266, A replaced by G.
Protein change: p.Thr1422=; no amino-acid change (threonine 1422 retained).
Molecular consequence: synonymous variant.
Genome position (GRCh38, 1-based): chr18:33,744,114, A>G. VCF-style: chr18-33744114-A-G. GRCh37 (hg19) VCF-style: chr18-31324078-A-G.
Identifiers: ClinVar variation 3357728 (VCV003357728.1).

ClinVar aggregate classification (germline): Likely benign (0 of 4 stars; one submission).

Conditions:
ASXL3-related disorder. Also called: ASXL3-related condition. Identifiers: MedGen CN381524.

gnomAD v4.1: 10 of 1,614,042 alleles (0.00062%); highest among the groups gnomAD compares: South Asian, 0.0011%; no homozygotes.

Submission:

PreventionGenetics, part of Exact Sciences
Classification: Likely benign for ASXL3-related condition. Last evaluated: 2024-05-30. Review status: no assertion criteria provided. Collection method: clinical testing. Allele origin: germline.
Comment: This variant is classified as likely benign based on ACMG/AMP sequence variant interpretation guidelines (Richards et al. 2015 PMID: 25741868, with internal and published modifications).